The following is an entry in ClinVar:

ClinVar aggregate classification (germline): Uncertain significance (1 of 4 stars; one submission).

Submission:

Labcorp Genetics (formerly Invitae), Labcorp
Classification: Uncertain significance. Last evaluated: 2025-10-31. Review status: criteria provided, single submitter. Criteria: Invitae Variant Classification Sherloc (09022015). Collection method: clinical testing. Allele origin: germline.
Comment: This sequence change replaces arginine, which is basic and polar, with cysteine, which is neutral and slightly polar, at codon 334 of the DLL4 protein (p.Arg334Cys). This variant is present in population databases (rs768550051, gnomAD 0.007%). This variant has not been reported in the literature in individuals affected with DLL4-related conditions. Invitae Evidence Modeling of protein sequence and biophysical properties (such as structural, functional, and spatial information, amino acid conservation, physicochemical variation, residue mobility, and thermodynamic stability) indicates that this missense variant is not expected to disrupt DLL4 protein function with a negative predictive value of 80%. In summary, the available evidence is currently insufficient to determine the role of this variant in disease. Therefore, it has been classified as a Variant of Uncertain Significance.

NM_019074.4(DLL4):c.1000C>T (p.Arg334Cys)

Gene: DLL4 (delta like canonical Notch ligand 4; plus strand). Cytogenetic location: 15q15.1.
Variant type: single nucleotide variant.
Coding change: c.1000C>T on transcript NM_019074.4 (MANE Select); coding-DNA position 1000, C replaced by T.
Protein change: p.Arg334Cys; replaces arginine 334 with cysteine.
Molecular consequence: missense variant.
Genome position (GRCh38, 1-based): chr15:40,934,697, C>T. VCF-style: chr15-40934697-C-T. GRCh37 (hg19) VCF-style: chr15-41226895-C-T.
Other names: short protein forms R334C.
Identifiers: ClinVar variation 4691192 (VCV004691192.1).
Genomic context (GRCh38, chr15:40,934,697, plus strand): 5'-CCAGGCTACACTGGTGTGGACTGTGAGCTGGAGCTCAGCGAGTGTGACAGCAACCCCTGT[C>T]GCAATGGAGGCAGCTGTAAGGTGAGGCCCAGACCAGCGCAGGAAGACAGAGGTGTCAGGT-3'
Protein context (NP_061947.1, residues 324-344): ELSECDSNPC[Arg334Cys]NGGSCKDQED